The following is an entry in ClinVar:

ClinVar aggregate classification (germline): Uncertain significance. Review status: criteria provided, single submitter (1 of 4 stars). 2 submissions from 2 submitters: Uncertain significance (1). 1 of the submissions does not count toward it. Last evaluated 2022-01-02.

Conditions:
Familial dysautonomia. Also called: FD; HSAN III. Identifiers: Orphanet 1764, MedGen C0013364, MONDO:0009131, OMIM 223900. Disease mechanism: loss of function.

Allele frequency attached by ClinVar (database versions not stated): gnomAD 0.00001; TOPMed 0.00001.
gnomAD v4.1: 8 of 1,614,058 alleles (0.0005%); highest among the groups gnomAD compares: Middle Eastern, 0.016%; no homozygotes.

Submissions (2):

Labcorp Genetics (formerly Invitae), Labcorp
Classification: Uncertain significance. Last evaluated: 2022-01-02. Review status: criteria provided, single submitter. Criteria: Invitae Variant Classification Sherloc (09022015). Collection method: clinical testing. Allele origin: germline.
Comment: This sequence change replaces aspartic acid, which is acidic and polar, with asparagine, which is neutral and polar, at codon 626 of the ELP1 protein (p.Asp626Asn). This variant is present in population databases (no rsID available, gnomAD 0.0008%). This variant has not been reported in the literature in individuals affected with ELP1-related conditions. ClinVar contains an entry for this variant (Variation ID: 1015058). Algorithms developed to predict the effect of missense changes on protein structure and function output the following: SIFT: "Tolerated"; PolyPhen-2: "Benign"; Align-GVGD: "Class C0". The asparagine amino acid residue is found in multiple mammalian species, which suggests that this missense change does not adversely affect protein function. In summary, the available evidence is currently insufficient to determine the role of this variant in disease. Therefore, it has been classified as a Variant of Uncertain Significance.

Natera, Inc.
Classification: Uncertain significance for Familial dysautonomia. Last evaluated: 2020-07-09. Review status: no assertion criteria provided. Collection method: clinical testing. Allele origin: germline. Not counted in ClinVar's aggregate classification.

NM_003640.5(ELP1):c.1876G>A (p.Asp626Asn)

Gene: ELP1 (elongator acetyltransferase complex subunit 1; minus strand). Cytogenetic location: 9q31.3.
Variant type: single nucleotide variant.
Coding change: c.1876G>A on transcript NM_003640.5 (MANE Select); coding-DNA position 1876, G replaced by A.
Protein change: p.Asp626Asn; replaces aspartic acid 626 with asparagine.
Molecular consequence: missense variant.
Genome position (GRCh38, 1-based): chr9:108,901,660, C>T on the plus strand (G>A on the coding strand, the complement: ELP1 is on the minus strand). VCF-style: chr9-108901660-C-T. GRCh37 (hg19) VCF-style: chr9-111663940-C-T.
Other names: c.1534G>A, p.Asp512Asn (NM_001318360.2); c.829G>A, p.Asp277Asn (NM_001330749.2); short protein forms D277N, D512N, D626N.
Identifiers: ClinVar variation 1015058 (VCV001015058.7), dbSNP rs202085601, ClinGen allele CA374424935.